The following is an entry in ClinVar:

ClinVar aggregate classification (germline): Uncertain significance (1 of 4 stars; one submission).

Submission:

GeneDx
Classification: Uncertain significance. Last evaluated: 2026-06-25. Review status: criteria provided, single submitter. Criteria: GeneDx Variant Classification Process June 2021. Collection method: clinical testing. Allele origin: germline.
Comment: Not observed at significant frequency in large population cohorts (gnomAD); In silico analysis supports that this missense variant has a deleterious effect on protein structure/function; Has not been previously published as pathogenic or benign to our knowledge

NM_001034116.2(EIF2B4):c.1121G>A (p.Arg374His)

Genes: EIF2B4 (eukaryotic translation initiation factor 2B subunit delta; minus strand), GTF3C2-AS2 (GTF3C2 antisense RNA 2; plus strand). Cytogenetic location: 2p23.3.
Variant type: single nucleotide variant.
Coding change: c.1121G>A on transcript NM_001034116.2 (MANE Select); coding-DNA position 1121, G replaced by A.
Protein change: p.Arg374His; replaces arginine 374 with histidine.
Molecular consequence: missense variant.
Genome position (GRCh38, 1-based): chr2:27,366,829, C>T on the plus strand (G>A on the coding strand, the complement: EIF2B4 is on the minus strand). VCF-style: chr2-27366829-C-T. GRCh37 (hg19) VCF-style: chr2-27589696-C-T.
Other names: c.1184G>A, p.Arg395His (NM_001318965.2); c.1076G>A, p.Arg359His (NM_001318966.2); c.1028G>A, p.Arg343His (NM_001318967.2); c.536G>A, p.Arg179His (NM_001318968.2); c.503G>A, p.Arg168His (NM_001318969.2); c.1118G>A, p.Arg373His (NM_015636.4); c.1181G>A, p.Arg394His (NM_172195.4); short protein forms R168H, R179H, R343H, R359H, R373H, R374H, R394H, R395H.
Identifiers: ClinVar variation 4536452 (VCV004536452.2).
Genomic context (GRCh38, chr2:27,366,829, plus strand): 5'-ACATAGGAGGCTGCAGGAATCAGCAGGTAGGAGGCTGGGACACCAGCATGGACTAGAGAA[C>T]GTAGTGTGTGCCTTCCTTCCAGCCATGGCCGGCTGTCCACCACTACCACCCGAAACCGCC-3'
Protein context (NP_001029288.1, residues 364-384): RPWLEGRHTL[Arg374His]SLVHAGVPAS